The following is an entry in ClinVar:

NM_000824.5(GLRB):c.704del (p.Lys235fs)

Gene: GLRB (glycine receptor beta; plus strand). Cytogenetic location: 4q32.1.
Variant type: Deletion.
Coding change: c.704del on transcript NM_000824.5 (MANE Select); coding-DNA position 704, one base deleted (A; older notation c.704delA).
Protein change: p.Lys235fs; shifts the reading frame from lysine 235.
Molecular consequence: frameshift variant.
Genome position (GRCh38, 1-based): chr4:157,138,902, A deleted; the last of 5 consecutive A bases (chr4:157,138,898-157,138,902); deleting any one gives the same sequence. VCF-style (leftmost placement, unchanged base first): chr4-157138897-CA-C. GRCh37 (hg19) VCF-style: chr4-158060049-CA-C.
Other names: c.704del, p.Lys235fs (NM_001166060.2, NM_001166061.2); short protein forms K235fs.
Identifiers: ClinVar variation 2710247 (VCV002710247.3), dbSNP rs2530068914, ClinGen allele CA2672486761.

ClinVar aggregate classification (germline): Pathogenic (1 of 4 stars; one submission).

Conditions:
Hyperekplexia 2 (HKPX2). Identifiers: Orphanet 3197, MedGen C3553291, MONDO:0013828, OMIM 614619.

Submission:

Labcorp Genetics (formerly Invitae), Labcorp
Classification: Pathogenic for Hyperekplexia 2. Last evaluated: 2024-01-19. Review status: criteria provided, single submitter. Criteria: Invitae Variant Classification Sherloc (09022015). Collection method: clinical testing. Allele origin: germline.
Comment: This sequence change creates a premature translational stop signal (p.Lys235Argfs*28) in the GLRB gene. It is expected to result in an absent or disrupted protein product. Loss-of-function variants in GLRB are known to be pathogenic (PMID: 23182654, 23184146). This variant is not present in population databases (gnomAD no frequency). This variant has not been reported in the literature in individuals affected with GLRB-related conditions. For these reasons, this variant has been classified as Pathogenic.

Literature cited by the submitters: PubMed 23182654; PubMed 23184146.